The following is an entry in ClinVar:

ClinVar aggregate classification (germline): Uncertain significance (1 of 4 stars; one submission).

Allele frequency attached by ClinVar (database versions not stated): TOPMed 0.00001.
gnomAD v4.1: 1 of 1,614,088 alleles (0.000062%); highest among the groups gnomAD compares: African/African-American, 0.0013%; no homozygotes.

Submission:

GeneDx
Classification: Uncertain significance. Last evaluated: 2025-05-08. Review status: criteria provided, single submitter. Criteria: GeneDx Variant Classification Process June 2021. Collection method: clinical testing. Allele origin: germline. Affected: yes.
Comment: Not observed at significant frequency in large population cohorts (gnomAD); In silico analysis supports that this missense variant has a deleterious effect on protein structure/function; Has not been previously published as pathogenic or benign to our knowledge

NM_000384.3(APOB):c.4170C>G (p.His1390Gln)

Gene: APOB (apolipoprotein B; minus strand). Cytogenetic location: 2p24.1.
Variant type: single nucleotide variant.
Coding change: c.4170C>G on transcript NM_000384.3 (MANE Select); coding-DNA position 4170, C replaced by G.
Protein change: p.His1390Gln; replaces histidine 1390 with glutamine.
Molecular consequence: missense variant.
Genome position (GRCh38, 1-based): chr2:21,013,206, G>C on the plus strand (C>G on the coding strand, the complement: APOB is on the minus strand). VCF-style: chr2-21013206-G-C. GRCh37 (hg19) VCF-style: chr2-21236078-G-C.
Other names: short protein forms H1390Q.
Identifiers: ClinVar variation 4527921 (VCV004527921.1), dbSNP rs745951846.
Genomic context (GRCh38, chr2:21,013,206, plus strand): 5'-TGAGCATAGCTCACCTTGCACATTGTAGGAAAGCAGGTCAACCACAGAGTCAGCCTTCAT[G>C]TGGTAACGAGCCCGAAGGCTGAAATGGTCTGTGCTGGTGTTGCCACCACTGTAGGAGGCG-3'
Protein context (NP_000375.3, residues 1380-1400): TDHFSLRARY[His1390Gln]MKADSVVDLL